The following is an entry in ClinVar:

NM_170606.3(KMT2C):c.7504C>G (p.Pro2502Ala)

Gene: KMT2C (lysine methyltransferase 2C; minus strand). Cytogenetic location: 7q36.1.
Variant type: single nucleotide variant.
Coding change: c.7504C>G on transcript NM_170606.3 (MANE Select); coding-DNA position 7504, C replaced by G.
Protein change: p.Pro2502Ala; replaces proline 2502 with alanine.
Molecular consequence: missense variant.
Genome position (GRCh38, 1-based): chr7:152,177,949, G>C on the plus strand (C>G on the coding strand, the complement: KMT2C is on the minus strand). VCF-style: chr7-152177949-G-C. GRCh37 (hg19) VCF-style: chr7-151875034-G-C.
Other names: short protein forms P2502A.
Identifiers: ClinVar variation 3339568 (VCV003339568.1).

ClinVar aggregate classification (germline): Uncertain significance (1 of 4 stars; one submission).

gnomAD v4.1: 8 of 1,595,862 alleles (0.0005%); highest among the groups gnomAD compares: Non-Finnish European, 0.00068%; no homozygotes.

Submission:

Women's Health and Genetics/Laboratory Corporation of America, LabCorp
Classification: Uncertain significance. Last evaluated: 2024-06-12. Review status: criteria provided, single submitter. Criteria: LabCorp Variant Classification Summary - May 2015. Collection method: clinical testing. Allele origin: germline.
Comment: Variant summary: KMT2C c.7504C>G (p.Pro2502Ala) results in a non-conservative amino acid change in the encoded protein sequence. Three of five in-silico tools predict a damaging effect of the variant on protein function. The variant allele was found at a frequency of 8.2e-06 in 245290 control chromosomes (gnomAD). The available data on variant occurrences in the general population are insufficient to allow any conclusion about variant significance. To our knowledge, no occurrence of c.7504C>G in individuals affected with Kleefstra Syndrome 2 and no experimental evidence demonstrating its impact on protein function have been reported. No submitters have cited clinical-significance assessments for this variant to ClinVar. Based on the evidence outlined above, the variant was classified as uncertain significance.